The following is an entry in ClinVar:

NM_001353214.3(DYM):c.673C>T (p.Gln225Ter)

Gene: DYM (dymeclin; minus strand). Cytogenetic location: 18q21.1.
Variant type: single nucleotide variant.
Coding change: c.673C>T on transcript NM_001353214.3 (MANE Select); coding-DNA position 673, C replaced by T.
Protein change: p.Gln225Ter; replaces glutamine 225 with a stop codon.
Molecular consequence: nonsense. On other transcripts: intron variant (4).
Genome position (GRCh38, 1-based): chr18:49,331,954, G>A on the plus strand (C>T on the coding strand, the complement: DYM is on the minus strand). VCF-style: chr18-49331954-G-A. GRCh37 (hg19) VCF-style: chr18-46858324-G-A.
Other names: c.673C>T, p.Gln225Ter (NM_001374428.1, NM_001374430.1, NM_001374431.1 and 10 more transcripts); c.670C>T, p.Gln224Ter (NM_001374429.1, NM_001353211.3, NM_001353212.3 and 1 more transcripts); c.547C>T, p.Gln183Ter (NM_001374432.1, NM_001374436.1); c.445C>T, p.Gln149Ter (NM_001374440.1); c.194-45341C>T (NM_001374443.1); c.194-45338C>T (NM_001374444.1, NM_001374442.1, NM_001374441.1); short protein forms Q149*, Q183*, Q224*, Q225*.
Identifiers: ClinVar variation 1069585 (VCV001069585.7), dbSNP rs1440421643, ClinGen allele CA402509106.

ClinVar aggregate classification (germline): Pathogenic (1 of 4 stars; one submission).

Allele frequency attached by ClinVar (database versions not stated): gnomAD exomes below 0.00001.
gnomAD v4.1: 1 of 1,613,954 alleles (0.000062%); highest among the groups gnomAD compares: Non-Finnish European, 0.000085%; no homozygotes.

Submission:

Labcorp Genetics (formerly Invitae), Labcorp
Classification: Pathogenic. Last evaluated: 2021-02-22. Review status: criteria provided, single submitter. Criteria: Invitae Variant Classification Sherloc (09022015). Collection method: clinical testing. Allele origin: germline.
Comment: For these reasons, this variant has been classified as Pathogenic. Loss-of-function variants in DYM are known to be pathogenic (PMID: 12491225, 12554689, 18996921). This variant has not been reported in the literature in individuals with DYM-related disease. This variant is not present in population databases (ExAC no frequency). This sequence change creates a premature translational stop signal (p.Gln225*) in the DYM gene. It is expected to result in an absent or disrupted protein product.

Literature cited by the submitters: PubMed 12491225; PubMed 12554689; PubMed 18996921.